The following is an entry in ClinVar:

NM_001349253.2(SCN11A):c.5282A>C (p.Asp1761Ala)

Gene: SCN11A (sodium voltage-gated channel alpha subunit 11; minus strand). Cytogenetic location: 3p22.2.
Variant type: single nucleotide variant.
Coding change: c.5282A>C on transcript NM_001349253.2 (MANE Select); coding-DNA position 5282, A replaced by C.
Protein change: p.Asp1761Ala; replaces aspartic acid 1761 with alanine.
Molecular consequence: missense variant.
Genome position (GRCh38, 1-based): chr3:38,846,788, T>G on the plus strand (A>C on the coding strand, the complement: SCN11A is on the minus strand). VCF-style: chr3-38846788-T-G. GRCh37 (hg19) VCF-style: chr3-38888279-T-G.
Other names: c.5282A>C, p.Asp1761Ala (NM_014139.3); short protein forms D1761A.
Identifiers: ClinVar variation 2941264 (VCV002941264.3), dbSNP rs2126075265, ClinGen allele CA352159309.
Genomic context (GRCh38, chr3:38,846,788, plus strand): 5'-AAGCTAGACAAGTCTCCATTGCAAAGAGTCTGGAGTGGTGAATGAGGCCCGTTTTCCAAG[T>G]CATTTTGGTCACCTTGGTCACCCTTGGTCACCTTCATCATGTACTTTCGAAAGGCCTTTT-3'
Protein context (NP_001336182.1, residues 1751-1771): VTKGDQGDQN[Asp1761Ala]LENGPHSPLQ

ClinVar aggregate classification (germline): Uncertain significance (1 of 4 stars; one submission).

Conditions:
Hereditary sensory and autonomic neuropathy type 7. Also called: HSAN VII; Neuropathy, hereditary sensory and autonomic, type VII. Identifiers: Orphanet 391397, MedGen C3809882, MONDO:0014244, OMIM 615548.
Familial episodic pain syndrome with predominantly lower limb involvement. Also called: Episodic pain syndrome, familial, 3. Identifiers: Orphanet 391384, Orphanet 391392, MedGen C3809899, MONDO:0014247, OMIM 615552.

Submission:

Labcorp Genetics (formerly Invitae), Labcorp
Classification: Uncertain significance for Familial episodic pain syndrome with predominantly lower limb involvement; Hereditary sensory and autonomic neuropathy type 7. Last evaluated: 2022-11-03. Review status: criteria provided, single submitter. Criteria: Invitae Variant Classification Sherloc (09022015). Collection method: clinical testing. Allele origin: germline.
Comment: In summary, the available evidence is currently insufficient to determine the role of this variant in disease. Therefore, it has been classified as a Variant of Uncertain Significance. This sequence change replaces aspartic acid, which is acidic and polar, with alanine, which is neutral and non-polar, at codon 1761 of the SCN11A protein (p.Asp1761Ala). This variant is not present in population databases (gnomAD no frequency). This variant has not been reported in the literature in individuals affected with SCN11A-related conditions. Algorithms developed to predict the effect of missense changes on protein structure and function (SIFT, PolyPhen-2, Align-GVGD) all suggest that this variant is likely to be tolerated.